The following is an entry in ClinVar:

ClinVar aggregate classification (germline): Benign. Review status: criteria provided, multiple submitters, no conflicts (2 of 4 stars). 10 submissions from 9 submitters: Benign (9). 1 of the submissions does not count toward it. Last evaluated 2026-02-04.

Conditions:
Xeroderma pigmentosum group A (XPA). Also called: Xeroderma pigmentosum, complementation group A; XP, group A; XPA-Related Xeroderma Pigmentosum. Identifiers: Orphanet 910, MedGen C0268135, MONDO:0010210, OMIM 278700.
Xeroderma pigmentosum, group C (XPC). Also called: XPC-Related Xeroderma Pigmentosum; Xeroderma pigmentosum, complementation group C; XERODERMA PIGMENTOSUM III; XP, GROUP C. Identifiers: Orphanet 910, MedGen C2752147, MONDO:0010211, OMIM 278720.

Allele frequency attached by ClinVar (database versions not stated): gnomAD exomes 0.00218 and 0.00550; ExAC 0.00655; 1000 Genomes Project 0.02196; gnomAD 0.02215 and 0.02396; 1000 Genomes Project 30x 0.02327; ESP Exome Variant Server 0.02362; TOPMed 0.02496.

Submissions (10):

Labcorp Genetics (formerly Invitae), Labcorp
Classification: Benign. Last evaluated: 2026-02-04. Review status: criteria provided, single submitter. Criteria: Invitae Variant Classification Sherloc (09022015). Collection method: clinical testing. Allele origin: germline.

KCCC/NGS Laboratory, Kuwait Cancer Control Center
Classification: Benign for Xeroderma pigmentosum, group C. Last evaluated: 2025-02-01. Review status: criteria provided, single submitter. Criteria: ACMG Guidelines, 2015. Collection method: clinical testing. Allele origin: germline. Affected: no.

KCCC/NGS Laboratory, Kuwait Cancer Control Center
Classification: Benign for Xeroderma pigmentosum group A. Last evaluated: 2023-07-07. Review status: criteria provided, single submitter. Criteria: ACMG Guidelines, 2015. Collection method: clinical testing. Allele origin: germline. Affected: yes.

Genome-Nilou Lab
Classification: Benign for Xeroderma pigmentosum, group C. Last evaluated: 2021-12-05. Review status: criteria provided, single submitter. Criteria: ACMG Guidelines, 2015. Collection method: clinical testing. Allele origin: germline. Affected: no.

Women's Health and Genetics/Laboratory Corporation of America, LabCorp
Classification: Benign. Last evaluated: 2019-10-18. Review status: criteria provided, single submitter. Criteria: LabCorp Variant Classification Summary - May 2015. Collection method: clinical testing. Allele origin: germline.
Comment: Variant summary: XPC c.300G>A (p.Arg100Arg) alters a non-conserved nucleotide located close to a canonical splice site and therefore could affect mRNA splicing, leading to a significantly altered protein sequence. 5/5 computational tools predict no significant impact on normal splicing. However, these predictions have yet to be confirmed by functional studies. The variant allele was found at a frequency of 0.0074 in 277384 control chromosomes, predominantly at a frequency of 0.079 within the African or African-American subpopulation in the gnomAD database, including 81 homozygotes. The observed variant frequency within African or African-American control individuals in the gnomAD database is approximately 56 fold of the estimated maximal expected allele frequency for a pathogenic variant in XPC causing Xeroderma pigmentosum phenotype (0.0014), strongly suggesting that the variant is a benign polymorphism found primarily in populations of African or African-American origin. One ClinVar submitter (evaluation after 2014) cites the variant as likely benign. Based on the evidence outlined above, the variant was classified as benign.

GeneDx
Classification: Benign. Last evaluated: 2019-05-20. Review status: criteria provided, single submitter. Criteria: GeneDx Variant Classification Process June 2021. Collection method: clinical testing. Allele origin: germline. Affected: yes.

Illumina Laboratory Services, Illumina
Classification: Benign for Xeroderma pigmentosum, group C. Last evaluated: 2018-01-13. Review status: criteria provided, single submitter. Criteria: ICSL Variant Classification Criteria 13 December 2019. Collection method: clinical testing. Allele origin: germline.
Comment: This variant was observed in the ICSL laboratory as part of a predisposition screen in an ostensibly healthy population. It had not been previously curated by ICSL or reported in the Human Gene Mutation Database (HGMD: prior to June 1st, 2018), and was therefore a candidate for classification through an automated scoring system. Utilizing variant allele frequency, disease prevalence and penetrance estimates, and inheritance mode, an automated score was calculated to assess if this variant is too frequent to cause the disease. Based on the score and internal cut-off values, a variant classified as benign is not then subjected to further curation. The score for this variant resulted in a classification of benign for this disease.

Breakthrough Genomics
Classification: Benign. Review status: criteria provided, single submitter. Criteria: ACMG Guidelines, 2015. Collection method: not provided. Allele origin: germline. Inheritance: Autosomal recessive inheritance. Affected: yes.

PreventionGenetics, part of Exact Sciences
Classification: Benign. Review status: criteria provided, single submitter. Criteria: ACMG Guidelines, 2015. Collection method: clinical testing. Allele origin: germline.

ITMI
No classification provided. Condition: AllHighlyPenetrant. Last evaluated: 2013-09-19. Review status: no classification provided. Collection method: reference population. Allele origin: germline. Not counted in ClinVar's aggregate classification.
Comment: Please see associated publication for description of ethnicities

Literature cited by the submitters: PubMed 24728327 (cited by ITMI).

NM_004628.5(XPC):c.300G>A (p.Arg100=)

Gene: XPC (XPC complex subunit, DNA damage recognition and repair factor; minus strand). Cytogenetic location: 3p25.1.
Variant type: single nucleotide variant.
Coding change: c.300G>A on transcript NM_004628.5 (MANE Select); coding-DNA position 300, G replaced by A.
Protein change: p.Arg100=; no amino-acid change (arginine 100 retained).
Molecular consequence: synonymous variant. On other transcripts: 5 prime UTR variant (1), non-coding transcript variant (2).
Genome position (GRCh38, 1-based): chr3:14,170,550, C>T on the plus strand (G>A on the coding strand, the complement: XPC is on the minus strand). VCF-style: chr3-14170550-C-T. GRCh37 (hg19) VCF-style: chr3-14212050-C-T.
Other names: c.-156G>A (NM_001354726.2); c.300G>A, p.Arg100= (NM_001354727.2, NM_001354730.2); c.282G>A, p.Arg94= (NM_001354729.2).
Identifiers: ClinVar variation 135476 (VCV000135476.24), dbSNP rs2228002, ClinGen allele CA162886.